The following is an entry in ClinVar:

ClinVar aggregate classification (germline): Likely benign. Review status: criteria provided, multiple submitters, no conflicts (2 of 4 stars). 2 submissions from 2 submitters: Likely benign (2). Last evaluated 2025-04-01.

Conditions:
Marinesco-Sjögren syndrome (MSS). Also called: Marinesco-SjÃ¶gren syndrome; Marinesco-Sjogren Syndrome. Identifiers: Orphanet 559, MedGen C0024814, MONDO:0009567, OMIM 248800.

gnomAD v4.1: 1 of 1,613,970 alleles (0.000062%); highest among the groups gnomAD compares: African/African-American, 0.0013%; no homozygotes.

Submissions (2):

CeGaT Center for Human Genetics Tuebingen
Classification: Likely benign. Last evaluated: 2025-04-01. Review status: criteria provided, single submitter. Criteria: CeGaT Center For Human Genetics Tuebingen Variant Classification Criteria Version 2. Collection method: clinical testing. Allele origin: germline. Affected: yes. Observed: 1 variant allele.
Comment: SIL1: BP4, BP7

Labcorp Genetics (formerly Invitae), Labcorp
Classification: Likely benign for Marinesco-Sjögren syndrome. Last evaluated: 2023-11-18. Review status: criteria provided, single submitter. Criteria: Invitae Variant Classification Sherloc (09022015). Collection method: clinical testing. Allele origin: germline.

NM_022464.5(SIL1):c.846G>C (p.Pro282=)

Gene: SIL1 (SIL1 nucleotide exchange factor; minus strand). Cytogenetic location: 5q31.2.
Variant type: single nucleotide variant.
Coding change: c.846G>C on transcript NM_022464.5 (MANE Select); coding-DNA position 846, G replaced by C.
Protein change: p.Pro282=; no amino-acid change (proline 282 retained).
Molecular consequence: synonymous variant.
Genome position (GRCh38, 1-based): chr5:138,951,806, C>G on the plus strand (G>C on the coding strand, the complement: SIL1 is on the minus strand). VCF-style: chr5-138951806-C-G. GRCh37 (hg19) VCF-style: chr5-138287495-C-G.
Other names: c.846G>C, p.Pro282= (NM_001037633.2).
Identifiers: ClinVar variation 2804349 (VCV002804349.13), dbSNP rs767706941, ClinGen allele CA446598977.